The following is an entry in ClinVar:

NM_001035.3(RYR2):c.-1C>T

Gene: RYR2 (ryanodine receptor 2; plus strand). Cytogenetic location: 1q43.
Variant type: single nucleotide variant.
Coding change: c.-1C>T on transcript NM_001035.3 (MANE Select); 1 bases upstream of the start codon, C replaced by T.
Molecular consequence: 5 prime UTR variant.
Genome position (GRCh38, 1-based): chr1:237,042,521, C>T. VCF-style: chr1-237042521-C-T. GRCh37 (hg19) VCF-style: chr1-237205821-C-T.
Identifiers: ClinVar variation 1332322 (VCV001332322.2), dbSNP rs1660032119, ClinGen allele CA2487169301.

ClinVar aggregate classification (germline): Uncertain significance (1 of 4 stars; one submission).

Conditions:
Cardiomyopathy (CMYO). Also called: Cardiomyopathies. Identifiers: Orphanet 167848, MedGen C0878544, MONDO:0004994, HP:0001638. Inheritance: Various modes of inheritance.

Submission:

Color Diagnostics, LLC DBA Color Health
Classification: Uncertain significance for Cardiomyopathy. Last evaluated: 2021-03-23. Review status: criteria provided, single submitter. Criteria: ACMG Guidelines, 2015. Collection method: clinical testing. Allele origin: germline.
Comment: This variant is located in the 5' untranslated region of the RYR2 gene. To our knowledge, functional studies have not been reported for this variant. This variant has not been reported in individuals affected with cardiovascular disorders in the literature. This variant has not been identified in the general population by the Genome Aggregation Database (gnomAD). The available evidence is insufficient to determine the role of this variant in disease conclusively. Therefore, this variant is classified as a Variant of Uncertain Significance.